The following is an entry in ClinVar:

NM_025114.4(CEP290):c.3741_3752dup (p.Tyr1251Ter)

Gene: CEP290 (centrosomal protein 290; minus strand). Cytogenetic location: 12q21.32.
Variant type: Duplication.
Coding change: c.3741_3752dup on transcript NM_025114.4 (MANE Select); coding-DNA positions 3741 to 3752, 12 bases duplicated (GGCTCTCTATTA).
Protein change: p.Tyr1251Ter; replaces tyrosine 1251 with a stop codon.
Molecular consequence: nonsense.
Genome position (GRCh38, 1-based): chr12:88,089,309-88,089,320, TAATAGAGAGCC duplicated on the plus strand (GGCTCTCTATTA on the coding strand, the reverse complement: CEP290 is on the minus strand); duplicating any 12 consecutive bases within chr12:88,089,309-88,089,321 gives the same sequence; the c. name uses the placement nearest the transcript's 3' end. VCF-style (leftmost placement, unchanged base first): chr12-88089308-A-ATAATAGAGAGCC. GRCh37 (hg19) VCF-style: chr12-88483085-A-ATAATAGAGAGCC.
Other names: short protein forms Y1251*.
Identifiers: ClinVar variation 2950846 (VCV002950846.3), dbSNP rs2500111542, ClinGen allele CA2740092487.

ClinVar aggregate classification (germline): Pathogenic (1 of 4 stars; one submission).

Conditions:
Joubert syndrome. Also called: CEREBELLOPARENCHYMAL DISORDER IV; JOUBERT-BOLTSHAUSER SYNDROME; Familial aplasia of the vermis. Identifiers: Orphanet 475, MedGen C5979921, MONDO:0018772.
Nephronophthisis. Also called: Juvenile Nephronophthisis. Identifiers: Orphanet 655, MedGen C0687120, MONDO:0019005, HP:0000090.
Meckel-Gruber syndrome. Also called: DYSENCEPHALIA SPLANCHNOCYSTICA; GRUBER SYNDROME; Dysencephalia splachnocystica. Identifiers: Orphanet 564, MedGen C0265215, MONDO:0018921.

Submission:

Labcorp Genetics (formerly Invitae), Labcorp
Classification: Pathogenic for Joubert syndrome; Meckel-Gruber syndrome; Nephronophthisis. Last evaluated: 2023-08-10. Review status: criteria provided, single submitter. Criteria: Invitae Variant Classification Sherloc (09022015). Collection method: clinical testing. Allele origin: germline.
Comment: This sequence change creates a premature translational stop signal (p.Tyr1251*) in the CEP290 gene. It is expected to result in an absent or disrupted protein product. Loss-of-function variants in CEP290 are known to be pathogenic (PMID: 16909394, 17345604, 20690115). This variant is not present in population databases (gnomAD no frequency). Algorithms developed to predict the effect of sequence changes on RNA splicing suggest that this variant may create or strengthen a splice site. This variant has not been reported in the literature in individuals affected with CEP290-related conditions. For these reasons, this variant has been classified as Pathogenic.

Literature cited by the submitters: PubMed 16909394; PubMed 17345604; PubMed 20690115.